The following is an entry in ClinVar:

NM_004606.5(TAF1):c.320C>T (p.Thr107Met)

Gene: TAF1 (TATA-box binding protein associated factor 1; plus strand). Cytogenetic location: Xq13.1.
Variant type: single nucleotide variant.
Coding change: c.320C>T on transcript NM_004606.5 (MANE Select); coding-DNA position 320, C replaced by T.
Protein change: p.Thr107Met; replaces threonine 107 with methionine.
Molecular consequence: missense variant. On other transcripts: non-coding transcript variant (9).
Genome position (GRCh38, 1-based): chrX:71,368,138, C>T. VCF-style: chrX-71368138-C-T. GRCh37 (hg19) VCF-style: chrX-70587988-C-T.
Other names: c.320C>T, p.Thr107Met (NM_001286074.2, NM_138923.4); short protein forms T107M.
Identifiers: ClinVar variation 2506598 (VCV002506598.2), dbSNP rs2519995448, ClinGen allele CA413505217.

ClinVar aggregate classification (germline): Uncertain significance (1 of 4 stars; one submission).

Submission:

GeneDx
Classification: Uncertain significance. Last evaluated: 2024-01-03. Review status: criteria provided, single submitter. Criteria: GeneDx Variant Classification Process June 2021. Collection method: clinical testing. Allele origin: germline. Affected: yes.
Comment: Not observed at significant frequency in large population cohorts (gnomAD); In silico analysis supports that this missense variant does not alter protein structure/function; Has not been previously published as pathogenic or benign to our knowledge